The following is an entry in ClinVar:

NM_019098.5(CNGB3):c.1148del (p.Thr383fs)

Gene: CNGB3 (cyclic nucleotide gated channel subunit beta 3; minus strand). Cytogenetic location: 8q21.3.
Variant type: Deletion.
Coding change: c.1148del on transcript NM_019098.5 (MANE Select); coding-DNA position 1148, one base deleted (C; older notation c.1148delC).
Protein change: p.Thr383fs; shifts the reading frame from threonine 383.
Molecular consequence: frameshift variant.
Genome position (GRCh38, 1-based): chr8:86,643,781, G deleted on the plus strand (C on the coding strand, the reverse complement: CNGB3 is on the minus strand). VCF-style (leftmost placement, unchanged base first): chr8-86643780-AG-A. GRCh37 (hg19) VCF-style: chr8-87656008-AG-A.
Other names: NP_061971.3:p.(Thr383IlefsTer13); c.1148delC (NM_019098.4); c.1148del (NM_019098.3).
Identifiers: ClinVar variation 5225 (VCV000005225.112), dbSNP rs397515360, ClinGen allele CA223548.
Genomic context (GRCh38, chr8:86,643,780, plus strand): 5'-AATAAAGGTTTCTTTCAAAATCAGAACTTACTCGTTTCCTTCCCCATCATACACCCATCT[AG>A]TAGTGCCAATTCCTTCATAGTTTGAAGCCCAGTAATAAACACAGGCATTAATGTGCAGAA-3'

ClinVar aggregate classification (germline): Pathogenic/Likely pathogenic. Review status: criteria provided, multiple submitters, no conflicts (2 of 4 stars). 56 submissions from 46 submitters: Pathogenic (34); Likely pathogenic (1). 21 of the submissions do not count toward it. Last evaluated 2026-09-21.

Conditions:
CNGB3-related disorder. Also called: CNGB3-related disorders; CNGB3-related condition. Identifiers: MedGen CN239340.
Inborn genetic diseases. Identifiers: MedGen C0950123, MeSH D030342.
Optic atrophy. Identifiers: MedGen C0029124, MONDO:0003608, HP:0000648.
Retinal dystrophy. Also called: Inherited retinal dystrophy. Identifiers: Orphanet 71862, MedGen C0854723, MeSH D058499, MONDO:0019118, HP:0000556.
Achromatopsia. Also called: Rod monochromatism. Identifiers: Orphanet 49382, MedGen C0152200, MONDO:0018852, HP:0011516.
Retinitis pigmentosa (RP). Identifiers: Orphanet 791, MedGen C0035334, MeSH D012174, MONDO:0019200, OMIM 268000. Inheritance: Autosomal dominant, autosomal recessive and X linked inheritance.
Leber congenital amaurosis (LCA). Also called: Leber's amaurosis. Identifiers: Orphanet 65, MedGen C0339527, MeSH D057130, MONDO:0018998.
Cone-rod dystrophy. Also called: Cone-rod degeneration; Cone/cone-rod dystrophy. Identifiers: Orphanet 1872, MedGen C4085590, MONDO:0015993, HP:0000548.
Achromatopsia 3 (ACHM3). Also called: PINGELAPESE BLINDNESS; ACHROMATOPSIA WITH MYOPIA; TOTAL COLORBLINDNESS WITH MYOPIA; ROD MONOCHROMACY 1; ROD MONOCHROMATISM 1. Identifiers: Orphanet 49382, MedGen C1849792, MONDO:0009875, OMIM 262300.
Retinal disorder. Also called: Retinal disorders; Retinopathy; Retinopathies; Retinal Diseases. Identifiers: MedGen C0035309, MONDO:0005283, HP:0000488.
Abnormality of the eye. Identifiers: MedGen C4316870, HP:0000478.

Allele frequency attached by ClinVar (database versions not stated): gnomAD exomes 0.00233 and 0.00172; gnomAD 0.00180 and 0.00183; ESP Exome Variant Server 0.00232; ExAC 0.00185.

Submissions 1 to 14 of 56:

Genetics Laboratory, Great Ormond Street Hospital NHS Foundation Trust, North Thames Genomic Laboratory Hub
Classification: Pathogenic for Retinal disorders. Last evaluated: 2026-09-21. Review status: criteria provided, single submitter. Criteria: ACGS Best Practice Guidelines for Variant Classification in Rare Disease 2024 v1.2. Collection method: clinical testing. Allele origin: germline. Affected: yes.
Comment: PVS1_very-strong, PM3_very-strong

OLLIN Analises Genomicas, OLLIN
Classification: Pathogenic for Achromatopsia 3. Last evaluated: 2026-08-06. Review status: criteria provided, single submitter. Criteria: ACMG Guidelines 2015 PMID 25741868. Collection method: clinical testing. Allele origin: germline. Inheritance: Autosomal recessive inheritance.
Comment: This frameshift variant, located in exon 10 (of 18), has been reported in ClinVar (accession VCV000005225.105) and in gnomAD with an allele frequency of 0.23%. However, to our knowledge, it has not been reported in the scientific literature. This variant causes a frameshift and introduces a premature stop codon, which is predicted to result in either a truncated protein or degradation of the mRNA via nonsense-mediated decay (NMD). According to the currently available evidence, this variant has been classified as pathogenic (PVS1, PM3_S).

PreventionGenetics, part of Exact Sciences
Classification: Pathogenic for CNGB3-related condition. Last evaluated: 2026-07-07. Review status: criteria provided, single submitter. Criteria: ACMG Guidelines, 2015. Collection method: clinical testing. Allele origin: germline.
Comment: The CNGB3 c.1148delC variant is predicted to result in a frameshift and premature protein termination (p.Thr383Ilefs*13). This variant has been reported many times as causative for autosomal recessive achromatopsia (see for examples Kohl et al. 2005. PubMed ID: 15657609; Nishiguchi et al. 2005. PubMed ID: 15712225; Wiszniewski et al. 2007. PubMed ID: 17265047). This variant is present in 0.28% of alleles in individuals of European (Finnish) descent and with a global allele frequency of 0.18% in gnomAD, indicating this variant is relatively common. Frameshift variants in CNGB3 are an established mechanism of disease. Given the evidence, we interpret this variant as pathogenic.

Labcorp Genetics (formerly Invitae), Labcorp
Classification: Pathogenic. Last evaluated: 2026-01-26. Review status: criteria provided, single submitter. Criteria: Invitae Variant Classification Sherloc (09022015). Collection method: clinical testing. Allele origin: germline.
Comment: This sequence change creates a premature translational stop signal (p.Thr383Ilefs*13) in the CNGB3 gene. It is expected to result in an absent or disrupted protein product. Loss-of-function variants in CNGB3 are known to be pathogenic (PMID: 28795510). This variant is present in population databases (rs397515360, gnomAD 0.3%), and has an allele count higher than expected for a pathogenic variant. This premature translational stop signal has been observed in individual(s) with achromatopsia (PMID: 10888875, 10958649, 15657609, 15712225, 17265047). In at least one individual the data is consistent with being in trans (on the opposite chromosome) from a pathogenic variant. It has also been observed to segregate with disease in related individuals. ClinVar contains an entry for this variant (Variation ID: 5225). For these reasons, this variant has been classified as Pathogenic.

Dasa
Classification: Pathogenic. Last evaluated: 2026-01-09. Review status: criteria provided, single submitter. Criteria: DASA Assertion Criteria. Collection method: clinical testing. Allele origin: germline.
Comment: NM_019098.5(CNGB3):c.1148del (p.Thr383IlefsTer13) introduces a premature termination codon predicted to result in loss of normal protein function. Loss-of-function is an established mechanism of disease for this gene. Segregation evidence has been reported in affected families. This variant has been recurrently observed in affected individuals with related phenotype in a genotype context consistent with recessive disease (PMID: 17265047; PMID: 15657609; PMID: 10958649). The variant is present at low frequency in population datasets. Based on the available data, this variant is classified as pathogenic.

Natera, Inc.
Classification: Pathogenic for Achromatopsia. Last evaluated: 2025-11-17. Review status: criteria provided, single submitter. Criteria: Natera Variant Classification Schema (03/2026). Collection method: clinical testing. Allele origin: germline.
Comment: The c.1148delC variant in CNGB3 is a frameshift variant predicted to shift the reading frame beginning at codon 383 and leads to a stop codon 13 codons downstream. This variant is expected to result in nonsense mediated decay, truncation, or a dysfunctional protein product. This variant is rare in the general population with a frequency below the threshold expected for the associated phenotype(s). This variant has been observed in one or more individuals affected with the associated recessive disease, as either homozygous or compound heterozygous with a second variant (PMID: 17265047). Given the available evidence, this variant is classified as Pathogenic.

CeGaT Center for Human Genetics Tuebingen
Classification: Pathogenic. Last evaluated: 2025-11-01. Review status: criteria provided, single submitter. Criteria: CeGaT Center For Human Genetics Tuebingen Variant Classification Criteria Version 2. Collection method: clinical testing. Allele origin: germline. Affected: yes. Observed: 24 variant alleles.
Comment: CNGB3: PM3:Very Strong, PVS1, PM2:Supporting

3billion
Classification: Pathogenic for Achromatopsia 3. Last evaluated: 2025-06-18. Review status: criteria provided, single submitter. Criteria: ACMG Guidelines, 2015. Collection method: clinical testing. Allele origin: germline. Affected: yes.
Comment: The variant is observed at an extremely low frequency in the gnomAD v4.1.0 dataset (total allele frequency: 0.227%). Predicted Consequence/Location: Frameshift: predicted to result in a loss or disruption of normal protein function through nonsense-mediated decay (NMD) or protein truncation. Multiple pathogenic variants are reported downstream of the variant. The variant has been reported at least twice as pathogenic with clinical assertions and evidence for the classification (ClinVar ID: VCV000005225 /PMID: 10888875 /3billion dataset). Therefore, this variant is classified as Pathogenic according to the recommendation of ACMG/AMP guideline.

Revvity Omics, Revvity
Classification: Pathogenic for Achromatopsia 3. Last evaluated: 2025-05-28. Review status: criteria provided, single submitter. Criteria: ACMG Guidelines, 2015. Collection method: clinical testing. Allele origin: germline.

Laboratory of Genetics, Children's Clinical University Hospital Latvia
Classification: Pathogenic. Last evaluated: 2025-02-16. Review status: criteria provided, single submitter. Criteria: ACMG Guidelines, 2015. Collection method: clinical testing. Allele origin: germline. Affected: yes.

Blueprint Genetics
Classification: Pathogenic for CNGB3-related disorders. Last evaluated: 2024-11-26. Review status: criteria provided, single submitter. Criteria: ACMG Guidelines, 2015. Collection method: clinical testing. Allele origin: germline. Affected: yes. Observed: 5 variant alleles.

Ophthalmic Genetics Group, Institute of Molecular and Clinical Ophthalmology Basel
Classification: Pathogenic for Retinal dystrophy. Last evaluated: 2024-05-27. Review status: criteria provided, single submitter. Criteria: ACMG Guidelines, 2015. Collection method: research. Allele origin: germline. Affected: yes. Observed: 9 variant alleles.
Comment: This variant was classified as Pathogenic based on ACMG criteria: PVS1_very strong, PM2_mod and PP5_sup

Clinical Genetics and Genomics, Karolinska University Hospital
Classification: Pathogenic for Achromatopsia 3. Last evaluated: 2024-04-05. Review status: criteria provided, single submitter. Criteria: Strehlow et al. (Brain. 2019). Collection method: clinical testing. Allele origin: germline. Inheritance: Autosomal recessive inheritance. Affected: yes.

Fulgent Genetics
Classification: Pathogenic for Achromatopsia 3. Last evaluated: 2024-03-21. Review status: criteria provided, single submitter. Criteria: ACMG Guidelines, 2015. Collection method: clinical testing. Allele origin: germline.